The following is an entry in ClinVar:

ClinVar aggregate classification (germline): Likely benign. Review status: criteria provided, multiple submitters, no conflicts (2 of 4 stars). 2 submissions from 2 submitters: Likely benign (2). Last evaluated 2024-11-15.

Conditions:
Hereditary cancer-predisposing syndrome. Also called: Neoplastic Syndromes, Hereditary; Hereditary neoplastic syndrome; Tumor predisposition; Hereditary Cancer Syndrome. Identifiers: Orphanet 140162, MedGen C0027672, MeSH D009386, MONDO:0015356.

Submissions (2):

Ambry Genetics
Classification: Likely benign for Hereditary cancer-predisposing syndrome. Last evaluated: 2024-11-15. Review status: criteria provided, single submitter. Criteria: Ambry Variant Classification Scheme 2023. Collection method: clinical testing. Allele origin: germline.

Women's Health and Genetics/Laboratory Corporation of America, LabCorp
Classification: Likely benign. Last evaluated: 2023-11-20. Review status: criteria provided, single submitter. Criteria: LabCorp Variant Classification Summary - May 2015. Collection method: clinical testing. Allele origin: germline.
Comment: Variant summary: BRCA2 c.7719A>G alters a non-conserved nucleotide resulting in a synonymous change. Consensus agreement among computation tools predict no significant impact on normal splicing. However, these predictions have yet to be confirmed by functional studies. The variant was absent in 251382 control chromosomes. The available data on variant occurrences in the general population are insufficient to allow any conclusion about variant significance. To our knowledge, no occurrence of c.7719A>G in individuals affected with Hereditary Breast And Ovarian Cancer Syndrome and no experimental evidence demonstrating its impact on protein function have been reported. No submitters have cited clinical-significance assessments for this variant to ClinVar after 2014. Based on the evidence outlined above, the variant was classified as likely benign.

NM_000059.4(BRCA2):c.7719A>G (p.Leu2573=)

Gene: BRCA2 (BRCA2 DNA repair associated; plus strand). Cytogenetic location: 13q13.1.
Variant type: single nucleotide variant.
Coding change: c.7719A>G on transcript NM_000059.4 (MANE Select); coding-DNA position 7719, A replaced by G.
Protein change: p.Leu2573=; no amino-acid change (leucine 2573 retained).
Molecular consequence: synonymous variant. On other transcripts: non-coding transcript variant (1).
Genome position (GRCh38, 1-based): chr13:32,357,843, A>G. VCF-style: chr13-32357843-A-G. GRCh37 (hg19) VCF-style: chr13-32931980-A-G.
Other names: c.7623A>G, p.Leu2541= (NM_001406719.1); c.7719A>G, p.Leu2573= (NM_001406720.1); c.2787A>G, p.Leu929= (NM_001406721.1); c.1302A>G, p.Leu434= (NM_001406722.1).
Identifiers: ClinVar variation 2682627 (VCV002682627.2), dbSNP rs2137567032, ClinGen allele CA483439206.